The following is an entry in ClinVar:

ClinVar aggregate classification (germline): Uncertain significance (1 of 4 stars; one submission).

Conditions:
Autosomal dominant nonsyndromic hearing loss 1. Also called: KONIGSMARK SYNDROME; DEAFNESS, AUTOSOMAL DOMINANT 1, WITH OR WITHOUT THROMBOCYTOPENIA. Identifiers: Orphanet 90635, MedGen C1852282, MONDO:0007424, OMIM 124900.
Progressive microcephaly-seizures-cortical blindness-developmental delay syndrome. Also called: Seizures, cortical blindness, and microcephaly syndrome. Identifiers: Orphanet 477814, MedGen C5567650, MONDO:0014714, OMIM 616632.

gnomAD v4.1: 1 of 1,614,240 alleles (0.000062%); highest among the groups gnomAD compares: East Asian, 0.0022%; no homozygotes.

Submission:

Labcorp Genetics (formerly Invitae), Labcorp
Classification: Uncertain significance for Progressive microcephaly-seizures-cortical blindness-developmental delay syndrome; Autosomal dominant nonsyndromic hearing loss 1. Last evaluated: 2025-04-11. Review status: criteria provided, single submitter. Criteria: Invitae Variant Classification Sherloc (09022015). Collection method: clinical testing. Allele origin: germline.
Comment: This sequence change replaces serine, which is neutral and polar, with threonine, which is neutral and polar, at codon 1002 of the DIAPH1 protein (p.Ser1002Thr). This variant is present in population databases (no rsID available, gnomAD 0.006%). This variant has not been reported in the literature in individuals affected with DIAPH1-related conditions. An algorithm developed to predict the effect of missense changes on protein structure and function (PolyPhen-2) suggests that this variant is likely to be disruptive. In summary, the available evidence is currently insufficient to determine the role of this variant in disease. Therefore, it has been classified as a Variant of Uncertain Significance.

NM_005219.5(DIAPH1):c.3005G>C (p.Ser1002Thr)

Gene: DIAPH1 (diaphanous related formin 1; minus strand). Cytogenetic location: 5q31.3.
Variant type: single nucleotide variant.
Coding change: c.3005G>C on transcript NM_005219.5 (MANE Select); coding-DNA position 3005, G replaced by C.
Protein change: p.Ser1002Thr; replaces serine 1002 with threonine.
Molecular consequence: missense variant.
Genome position (GRCh38, 1-based): chr5:141,528,715, C>G on the plus strand (G>C on the coding strand, the complement: DIAPH1 is on the minus strand). VCF-style: chr5-141528715-C-G. GRCh37 (hg19) VCF-style: chr5-140908282-C-G.
Other names: c.2978G>C, p.Ser993Thr (NM_001079812.3); c.3005G>C, p.Ser1002Thr (NM_001314007.2); short protein forms S993T, S1002T.
Identifiers: ClinVar variation 4788436 (VCV004788436.1).